The following is an entry in ClinVar:

NM_005228.5(EGFR):c.2228C>T (p.Ala743Val)

Gene: EGFR (epidermal growth factor receptor; plus strand). Cytogenetic location: 7p11.2.
Variant type: single nucleotide variant.
Coding change: c.2228C>T on transcript NM_005228.5 (MANE Select); coding-DNA position 2228, C replaced by T.
Protein change: p.Ala743Val; replaces alanine 743 with valine.
Molecular consequence: missense variant.
Genome position (GRCh38, 1-based): chr7:55,174,765, C>T. VCF-style: chr7-55174765-C-T. GRCh37 (hg19) VCF-style: chr7-55242458-C-T.
Other names: c.2093C>T, p.Ala698Val (NM_001346897.2, NM_001346899.2); c.2228C>T, p.Ala743Val (NM_001346898.2); c.2069C>T, p.Ala690Val (NM_001346900.2); c.1427C>T, p.Ala476Val (NM_001346941.2); short protein forms A476V, A743V, A690V, A698V.
Identifiers: ClinVar variation 3673441 (VCV003673441.2).

ClinVar aggregate classification (germline): Uncertain significance (1 of 4 stars; one submission).

Conditions:
EGFR-related lung cancer (EGFR). Identifiers: MedGen CN130014.

gnomAD v4.1: 1 of 1,614,090 alleles (0.000062%); highest among the groups gnomAD compares: Non-Finnish European, 0.000085%; no homozygotes.

Submission:

Labcorp Genetics (formerly Invitae), Labcorp
Classification: Uncertain significance for EGFR-related lung cancer. Last evaluated: 2024-05-11. Review status: criteria provided, single submitter. Criteria: Invitae Variant Classification Sherloc (09022015). Collection method: clinical testing. Allele origin: germline.
Comment: This sequence change replaces alanine, which is neutral and non-polar, with valine, which is neutral and non-polar, at codon 743 of the EGFR protein (p.Ala743Val). This variant is not present in population databases (gnomAD no frequency). This variant has not been reported in the literature in individuals affected with EGFR-related conditions. Advanced modeling of protein sequence and biophysical properties (such as structural, functional, and spatial information, amino acid conservation, physicochemical variation, residue mobility, and thermodynamic stability) performed at Invitae indicates that this missense variant is expected to disrupt EGFR protein function with a positive predictive value of 80%. In summary, the available evidence is currently insufficient to determine the role of this variant in disease. Therefore, it has been classified as a Variant of Uncertain Significance.